The following is an entry in ClinVar:

ClinVar aggregate classification (germline): Uncertain significance (1 of 4 stars; one submission).

Submission:

CeGaT Center for Human Genetics Tuebingen
Classification: Uncertain significance. Last evaluated: 2024-09-01. Review status: criteria provided, single submitter. Criteria: CeGaT Center For Human Genetics Tuebingen Variant Classification Criteria Version 2. Collection method: clinical testing. Allele origin: germline. Affected: yes. Observed: 1 variant allele.
Comment: NBAS: PM2, BP4

NM_015909.4(NBAS):c.2350G>A (p.Asp784Asn)

Gene: NBAS (NBAS subunit of NRZ tethering complex; minus strand). Cytogenetic location: 2p24.3.
Variant type: single nucleotide variant.
Coding change: c.2350G>A on transcript NM_015909.4 (MANE Select); coding-DNA position 2350, G replaced by A.
Protein change: p.Asp784Asn; replaces aspartic acid 784 with asparagine.
Molecular consequence: missense variant. On other transcripts: non-coding transcript variant (1).
Genome position (GRCh38, 1-based): chr2:15,427,784, C>T on the plus strand (G>A on the coding strand, the complement: NBAS is on the minus strand). VCF-style: chr2-15427784-C-T. GRCh37 (hg19) VCF-style: chr2-15567908-C-T.
Other names: short protein forms D784N.
Identifiers: ClinVar variation 3389671 (VCV003389671.14).